The following is an entry in ClinVar:

ClinVar aggregate classification (germline): Uncertain significance (1 of 4 stars; one submission).

Conditions:
RASopathy. Also called: rasopathies; Noonan spectrum disorder. Identifiers: Orphanet 536391, MedGen C5555857, MONDO:0021060.

Submission:

Labcorp Genetics (formerly Invitae), Labcorp
Classification: Uncertain significance for RASopathy. Last evaluated: 2023-05-31. Review status: criteria provided, single submitter. Criteria: Invitae Variant Classification Sherloc (09022015). Collection method: clinical testing. Allele origin: germline.
Comment: This variant is not present in population databases (gnomAD no frequency). In summary, the available evidence is currently insufficient to determine the role of this variant in disease. Therefore, it has been classified as a Variant of Uncertain Significance. Advanced modeling of protein sequence and biophysical properties (such as structural, functional, and spatial information, amino acid conservation, physicochemical variation, residue mobility, and thermodynamic stability) has been performed at Invitae for this missense variant, however the output from this modeling did not meet the statistical confidence thresholds required to predict the impact of this variant on SOS1 protein function. This variant has not been reported in the literature in individuals affected with SOS1-related conditions. This sequence change replaces serine, which is neutral and polar, with cysteine, which is neutral and slightly polar, at codon 1096 of the SOS1 protein (p.Ser1096Cys).

NM_005633.4(SOS1):c.3287C>G (p.Ser1096Cys)

Gene: SOS1 (SOS Ras/Rac guanine nucleotide exchange factor 1; minus strand). Cytogenetic location: 2p22.1.
Variant type: single nucleotide variant.
Coding change: c.3287C>G on transcript NM_005633.4 (MANE Select); coding-DNA position 3287, C replaced by G.
Protein change: p.Ser1096Cys; replaces serine 1096 with cysteine.
Molecular consequence: missense variant.
Genome position (GRCh38, 1-based): chr2:38,995,182, G>C on the plus strand (C>G on the coding strand, the complement: SOS1 is on the minus strand). VCF-style: chr2-38995182-G-C. GRCh37 (hg19) VCF-style: chr2-39222323-G-C.
Other names: c.3266C>G, p.Ser1089Cys (NM_001382394.1); c.3287C>G, p.Ser1096Cys (NM_001382395.1); short protein forms S1089C, S1096C.
Identifiers: ClinVar variation 2787125 (VCV002787125.3), dbSNP rs1668851234, ClinGen allele CA346360473.